The following is an entry in ClinVar:

NM_002336.3(LRP6):c.736T>C (p.Ser246Pro)

Gene: LRP6 (LDL receptor related protein 6; minus strand). Cytogenetic location: 12p13.2.
Variant type: single nucleotide variant.
Coding change: c.736T>C on transcript NM_002336.3 (MANE Select); coding-DNA position 736, T replaced by C.
Protein change: p.Ser246Pro; replaces serine 246 with proline.
Molecular consequence: missense variant.
Genome position (GRCh38, 1-based): chr12:12,187,031, A>G on the plus strand (T>C on the coding strand, the complement: LRP6 is on the minus strand). VCF-style: chr12-12187031-A-G. GRCh37 (hg19) VCF-style: chr12-12339965-A-G.
Other names: c.736T>C, p.Ser246Pro (NM_001414244.1, NM_001414245.1, NM_001414246.1 and 5 more transcripts); c.538T>C, p.Ser180Pro (NM_001414247.1); c.283T>C, p.Ser95Pro (NM_001414252.1, NM_001414253.1, NM_001414254.1); short protein forms S180P, S246P, S95P.
Identifiers: ClinVar variation 2126082 (VCV002126082.4), dbSNP rs2498980197, ClinGen allele CA383954821.

ClinVar aggregate classification (germline): Uncertain significance (1 of 4 stars; one submission).

Submission:

Labcorp Genetics (formerly Invitae), Labcorp
Classification: Uncertain significance. Last evaluated: 2022-04-14. Review status: criteria provided, single submitter. Criteria: Invitae Variant Classification Sherloc (09022015). Collection method: clinical testing. Allele origin: germline.
Comment: This variant has not been reported in the literature in individuals affected with LRP6-related conditions. This variant is not present in population databases (gnomAD no frequency). This sequence change replaces serine, which is neutral and polar, with proline, which is neutral and non-polar, at codon 246 of the LRP6 protein (p.Ser246Pro). Algorithms developed to predict the effect of missense changes on protein structure and function (SIFT, PolyPhen-2, Align-GVGD) all suggest that this variant is likely to be disruptive. In summary, the available evidence is currently insufficient to determine the role of this variant in disease. Therefore, it has been classified as a Variant of Uncertain Significance.